The following is an entry in ClinVar:

ClinVar aggregate classification (germline): Uncertain significance (1 of 4 stars; one submission).

Submission:

Dasa
Classification: Uncertain significance. Last evaluated: 2024-12-09. Review status: criteria provided, single submitter. Criteria: DASA Assertion Criteria. Collection method: clinical testing. Allele origin: germline.
Comment: NM_182931.3(KMT2E):c.1249-7C>T is a splice-region variant. This variant is rare in population databases. Computational prediction algorithms are consistent with a benign effect. The currently available literature and clinical evidence are not sufficient to establish a definitive association between this variant and the reported condition. Therefore, this variant is classified as a variant of uncertain significance.

NM_182931.3(KMT2E):c.1249-7C>T

Gene: KMT2E (lysine methyltransferase 2E (inactive); plus strand). Cytogenetic location: 7q22.3.
Variant type: single nucleotide variant.
Coding change: c.1249-7C>T on transcript NM_182931.3 (MANE Select); 7 bases into the intron before coding-DNA position 1249, C replaced by T.
Molecular consequence: intron variant.
Genome position (GRCh38, 1-based): chr7:105,081,681, C>T. VCF-style: chr7-105081681-C-T. GRCh37 (hg19) VCF-style: chr7-104722128-C-T.
Other names: c.1249-7C>T (NM_001410908.1, NM_018682.4).
Identifiers: ClinVar variation 4881342 (VCV004881342.2).